The following is an entry in ClinVar:

ClinVar aggregate classification (germline): Pathogenic (1 of 4 stars; one submission).

Submission:

Labcorp Genetics (formerly Invitae), Labcorp
Classification: Pathogenic. Last evaluated: 2024-02-22. Review status: criteria provided, single submitter. Criteria: Invitae Variant Classification Sherloc (09022015). Collection method: clinical testing. Allele origin: germline.
Comment: This sequence change creates a premature translational stop signal (p.Tyr439Leufs*6) in the SLC45A2 gene. While this is not anticipated to result in nonsense mediated decay, it is expected to disrupt the last 92 amino acid(s) of the SLC45A2 protein. This variant is not present in population databases (gnomAD no frequency). This variant has not been reported in the literature in individuals affected with SLC45A2-related conditions. Algorithms developed to predict the effect of sequence changes on RNA splicing suggest that this variant may disrupt the consensus splice site. This variant disrupts a region of the SLC45A2 protein in which other variant(s) (p.Cys519Arg) have been determined to be pathogenic (Invitae). This suggests that this is a clinically significant region of the protein, and that variants that disrupt it are likely to be disease-causing. For these reasons, this variant has been classified as Pathogenic.

NM_016180.5(SLC45A2):c.1315dup (p.Tyr439fs)

Gene: SLC45A2 (solute carrier family 45 member 2; minus strand). Cytogenetic location: 5p13.2.
Variant type: Duplication.
Coding change: c.1315dup on transcript NM_016180.5 (MANE Select); coding-DNA position 1315, one base duplicated (T; older notation c.1315dupT).
Protein change: p.Tyr439fs; shifts the reading frame from tyrosine 439.
Molecular consequence: frameshift variant.
Genome position (GRCh38, 1-based): chr5:33,947,216, A duplicated on the plus strand (T on the coding strand, the reverse complement: SLC45A2 is on the minus strand). VCF-style (leftmost placement, unchanged base first): chr5-33947215-T-TA. GRCh37 (hg19) VCF-style: chr5-33947320-T-TA.
Other names: c.1315dup, p.Tyr439fs (NM_001012509.4); short protein forms Y439fs.
Identifiers: ClinVar variation 3642540 (VCV003642540.2).
Genomic context (GRCh38, chr5:33,947,215, plus strand): 5'-CAGCACACCTCCTTTTCTTCCTCGCGGTGGTACTCAGTAATGAGGTTAAAGGGCACAGTG[T>TA]ACAGGGTGCTGGACATTACACCAAACAGGCTGCACAGGACCAGGGTGGAGTAGACATTCG-3'